The following is an entry in ClinVar:

ClinVar aggregate classification (germline): Benign/Likely benign. Review status: criteria provided, multiple submitters, no conflicts (2 of 4 stars). 5 submissions from 5 submitters: Benign (3); Likely benign (1). 1 of the submissions does not count toward it. Last evaluated 2022-03-23.

Conditions:
Parkinson disease 11, autosomal dominant, susceptibility to. Also called: Parkinson disease 11. Identifiers: Orphanet 411602, MedGen C4083045, MONDO:0011896, OMIM 607688.

Submissions (5):

Mayo Clinic Laboratories, Mayo Clinic
Classification: Benign. Last evaluated: 2022-03-23. Review status: criteria provided, single submitter. Criteria: ACMG Guidelines, 2015. Collection method: clinical testing. Allele origin: germline. Observed: 44 variant alleles.

GeneDx
Classification: Benign. Last evaluated: 2021-06-09. Review status: criteria provided, single submitter. Criteria: GeneDx Variant Classification Process June 2021. Collection method: clinical testing. Allele origin: germline. Affected: yes.

Laboratory for Molecular Medicine, Mass General Brigham Personalized Medicine
Classification: Likely benign. Last evaluated: 2016-03-28. Review status: criteria provided, single submitter. Criteria: LMM Criteria. Collection method: clinical testing. Allele origin: germline.
Comment: Variant identified in a genome or exome case(s) and assessed due to predicted null impact of the variant or pathogenic assertions in the literature or databases. Disclaimer: This variant has not undergone full assessment. The following are preliminary notes: 23.92% East Asian, with 176 homozygotes (VQSRTrancheINDEL99.00to99.50)

Clinical Genetics DNA and cytogenetics Diagnostics Lab, Erasmus MC, Erasmus Medical Center
Classification: Benign for Parkinson disease 11, autosomal dominant, susceptibility to. Last evaluated: 2015-03-26. Review status: criteria provided, single submitter. Criteria: ACGS Guidelines, 2013. Collection method: clinical testing. Allele origin: germline. Affected: yes. Study: VKGL Data-share Consensus.

Genome Diagnostics Laboratory, Amsterdam University Medical Center
Classification: Likely benign for Parkinson disease 11, autosomal dominant, susceptibility to. Last evaluated: 2016-04-22. Review status: no assertion criteria provided. Criteria: ACGS Guidelines, 2013. Collection method: clinical testing. Allele origin: germline. Affected: yes. Study: VKGL Data-share Consensus. Not counted in ClinVar's aggregate classification.

NM_001103146.3(GIGYF2):c.3629_3630insGC (p.Gln1211fs)

Gene: GIGYF2 (GRB10 interacting GYF protein 2; plus strand). Cytogenetic location: 2q37.1.
Variant type: Insertion.
Coding change: c.3629_3630insGC on transcript NM_001103146.3 (MANE Select); coding-DNA positions 3629 to 3630, GC inserted.
Protein change: p.Gln1211fs; shifts the reading frame from glutamine 1211.
Molecular consequence: frameshift variant. On other transcripts: non-coding transcript variant (1).
Genome position: GRCh38 VCF-style: chr2-232847515-C-CCG. GRCh37 (hg19) VCF-style: chr2-233712225-C-CCG.
Other names: p.Gln1211Hisfs*25; c.3692_3693insGC, p.Gln1232fs (NM_001103147.2); c.3611_3612insGC, p.Gln1205fs (NM_001103148.2); c.3629_3630insGC, p.Gln1211fs (NM_015575.4); c.3629_3630insGC (NM_001103146.2); short protein forms Q1211fs, Q1205fs, Q1232fs.
Identifiers: ClinVar variation 402899 (VCV000402899.9), dbSNP rs371622656, ClinGen allele CA2170922.
Genomic context (GRCh38, chr2:232,847,515, plus strand): 5'-CAGTTCCTTGAGCGCCGTGCCAAACAGAAAGCCAACCAGCAGCGTCAGCAGCAGCAGCTG[C>CCG]CACAGCAGCAGCAGCAGCAGCCGCCACAGCAGCCGCCACAGCAGCCACAACAGCAGGTAT-3'